The following is an entry in ClinVar:

ClinVar aggregate classification (germline): Likely benign (1 of 4 stars; one submission).

Allele frequency attached by ClinVar (database versions not stated): TOPMed 0.00007; gnomAD 0.00023; gnomAD exomes 0.00035; ExAC 0.00086; 1000 Genomes Project 30x 0.00172; 1000 Genomes Project 0.00220.
gnomAD v4.1: 556 of 1,605,582 alleles (0.035%); highest among the groups gnomAD compares: South Asian, 0.46%; 4 homozygotes.

Submission:

CeGaT Center for Human Genetics Tuebingen
Classification: Likely benign. Last evaluated: 2022-04-01. Review status: criteria provided, single submitter. Criteria: CeGaT Center For Human Genetics Tuebingen Variant Classification Criteria Version 2. Collection method: clinical testing. Allele origin: germline. Affected: yes. Observed: 1 variant allele.
Comment: FAM81B: BP4

NM_152548.3(FAM81B):c.532A>G (p.Ile178Val)

Gene: FAM81B (family with sequence similarity 81 member B; plus strand). Cytogenetic location: 5q15.
Variant type: single nucleotide variant.
Coding change: c.532A>G on transcript NM_152548.3 (MANE Select); coding-DNA position 532, A replaced by G.
Protein change: p.Ile178Val; replaces isoleucine 178 with valine.
Molecular consequence: missense variant.
Genome position (GRCh38, 1-based): chr5:95,414,185, A>G. VCF-style: chr5-95414185-A-G. GRCh37 (hg19) VCF-style: chr5-94749889-A-G.
Other names: short protein forms I178V.
Identifiers: ClinVar variation 2655593 (VCV002655593.24), dbSNP rs553700628, ClinGen allele CA3346040.